The following is an entry in ClinVar:

ClinVar aggregate classification (germline): Conflicting classifications of pathogenicity. Review status: criteria provided, conflicting classifications (1 of 4 stars). 3 submissions from 3 submitters: Likely pathogenic (1); Uncertain significance (2). Last evaluated 2026-08-07.

Allele frequency attached by ClinVar (database versions not stated): ExAC 0.00002; TOPMed 0.00006; gnomAD exomes 0.00002 and 0.00003.
gnomAD v4.1: 12 of 1,613,556 alleles (0.00074%); highest among the groups gnomAD compares: Admixed American, 0.018%; no homozygotes.

Submissions (3):

GeneDx
Classification: Uncertain significance. Last evaluated: 2026-08-07. Review status: criteria provided, single submitter. Criteria: GeneDx Variant Classification Process June 2021. Collection method: clinical testing. Allele origin: germline.
Comment: In silico analysis supports that this missense variant has a deleterious effect on protein structure/function; Has not been previously published as pathogenic or benign to our knowledge

Labcorp Genetics (formerly Invitae), Labcorp
Classification: Likely pathogenic. Last evaluated: 2023-12-31. Review status: criteria provided, single submitter. Criteria: Invitae Variant Classification Sherloc (09022015). Collection method: clinical testing. Allele origin: germline.
Comment: This sequence change replaces valine, which is neutral and non-polar, with alanine, which is neutral and non-polar, at codon 461 of the PNPT1 protein (p.Val461Ala). This variant is present in population databases (rs752666494, gnomAD 0.02%). This missense change has been observed in individual(s) with clinical features of combined oxidative phosphorylation deficiency (Invitae). In at least one individual the data is consistent with being in trans (on the opposite chromosome) from a pathogenic variant. ClinVar contains an entry for this variant (Variation ID: 1195522). Advanced modeling of protein sequence and biophysical properties (such as structural, functional, and spatial information, amino acid conservation, physicochemical variation, residue mobility, and thermodynamic stability) performed at Invitae indicates that this missense variant is not expected to disrupt PNPT1 protein function with a negative predictive value of 80%. In summary, the currently available evidence indicates that the variant is pathogenic, but additional data are needed to prove that conclusively. Therefore, this variant has been classified as Likely Pathogenic.

Revvity Omics, Revvity
Classification: Uncertain significance. Last evaluated: 2021-02-04. Review status: criteria provided, single submitter. Criteria: ACMG Guidelines, 2015. Collection method: clinical testing. Allele origin: germline.

NM_033109.5(PNPT1):c.1382T>C (p.Val461Ala)

Gene: PNPT1 (polyribonucleotide nucleotidyltransferase 1; minus strand). Cytogenetic location: 2p16.1.
Variant type: single nucleotide variant.
Coding change: c.1382T>C on transcript NM_033109.5 (MANE Select); coding-DNA position 1382, T replaced by C.
Protein change: p.Val461Ala; replaces valine 461 with alanine.
Molecular consequence: missense variant.
Genome position (GRCh38, 1-based): chr2:55,656,190, A>G on the plus strand (T>C on the coding strand, the complement: PNPT1 is on the minus strand). VCF-style: chr2-55656190-A-G. GRCh37 (hg19) VCF-style: chr2-55883325-A-G.
Other names: short protein forms V461A.
Identifiers: ClinVar variation 1195522 (VCV001195522.16), dbSNP rs752666494, ClinGen allele CA1668095.